The following is an entry in ClinVar:

NM_000370.3(TTPA):c.403G>A (p.Val135Ile)

Gene: TTPA (alpha tocopherol transfer protein; minus strand). Cytogenetic location: 8q12.3.
Variant type: single nucleotide variant.
Coding change: c.403G>A on transcript NM_000370.3 (MANE Select); coding-DNA position 403, G replaced by A.
Protein change: p.Val135Ile; replaces valine 135 with isoleucine.
Molecular consequence: missense variant.
Genome position (GRCh38, 1-based): chr8:63,066,053, C>T on the plus strand (G>A on the coding strand, the complement: TTPA is on the minus strand). VCF-style: chr8-63066053-C-T. GRCh37 (hg19) VCF-style: chr8-63978612-C-T.
Other names: short protein forms V135I.
Identifiers: ClinVar variation 1425422 (VCV001425422.4), dbSNP rs988427817, ClinGen allele CA178384870.

ClinVar aggregate classification (germline): Uncertain significance. Review status: criteria provided, multiple submitters, no conflicts (2 of 4 stars). 2 submissions from 2 submitters: Uncertain significance (2). Last evaluated 2023-12-15.

Conditions:
Inborn genetic diseases. Identifiers: MedGen C0950123, MeSH D030342.

Allele frequency attached by ClinVar (database versions not stated): gnomAD exomes below 0.00001; gnomAD 0.00001; TOPMed 0.00002.
gnomAD v4.1: 6 of 1,613,362 alleles (0.00037%); highest among the groups gnomAD compares: Admixed American, 0.01%; no homozygotes.

Submissions (2):

Ambry Genetics
Classification: Uncertain significance for Inborn genetic diseases. Last evaluated: 2023-12-15. Review status: criteria provided, single submitter. Criteria: Ambry Variant Classification Scheme 2023. Collection method: clinical testing. Allele origin: germline.

Labcorp Genetics (formerly Invitae), Labcorp
Classification: Uncertain significance. Last evaluated: 2022-08-22. Review status: criteria provided, single submitter. Criteria: Invitae Variant Classification Sherloc (09022015). Collection method: clinical testing. Allele origin: germline.
Comment: This sequence change replaces valine, which is neutral and non-polar, with isoleucine, which is neutral and non-polar, at codon 135 of the TTPA protein (p.Val135Ile). This variant is present in population databases (no rsID available, gnomAD 0.003%). This variant has not been reported in the literature in individuals affected with TTPA-related conditions. ClinVar contains an entry for this variant (Variation ID: 1425422). Algorithms developed to predict the effect of missense changes on protein structure and function are either unavailable or do not agree on the potential impact of this missense change (SIFT: "Deleterious"; PolyPhen-2: "Benign"; Align-GVGD: "Class C25"). In summary, the available evidence is currently insufficient to determine the role of this variant in disease. Therefore, it has been classified as a Variant of Uncertain Significance.